The following is an entry in ClinVar:

ClinVar aggregate classification (germline): Uncertain significance (1 of 4 stars; one submission).

Conditions:
Primary ciliary dyskinesia. Also called: Ciliary dyskinesia. Identifiers: Orphanet 244, MedGen C0008780, MONDO:0016575, HP:0012265.

Submission:

Labcorp Genetics (formerly Invitae), Labcorp
Classification: Uncertain significance for Primary ciliary dyskinesia. Last evaluated: 2023-01-21. Review status: criteria provided, single submitter. Criteria: Invitae Variant Classification Sherloc (09022015). Collection method: clinical testing. Allele origin: germline.
Comment: In summary, the available evidence is currently insufficient to determine the role of this variant in disease. Therefore, it has been classified as a Variant of Uncertain Significance. Advanced modeling of protein sequence and biophysical properties (such as structural, functional, and spatial information, amino acid conservation, physicochemical variation, residue mobility, and thermodynamic stability) performed at Invitae indicates that this missense variant is not expected to disrupt DNAH11 protein function. This variant has not been reported in the literature in individuals affected with DNAH11-related conditions. This variant is not present in population databases (gnomAD no frequency). This sequence change replaces isoleucine, which is neutral and non-polar, with leucine, which is neutral and non-polar, at codon 3397 of the DNAH11 protein (p.Ile3397Leu).

NM_001277115.2(DNAH11):c.10189A>C (p.Ile3397Leu)

Gene: DNAH11 (dynein axonemal heavy chain 11; plus strand). Cytogenetic location: 7p15.3.
Variant type: single nucleotide variant.
Coding change: c.10189A>C on transcript NM_001277115.2 (MANE Select); coding-DNA position 10189, A replaced by C.
Protein change: p.Ile3397Leu; replaces isoleucine 3397 with leucine.
Molecular consequence: missense variant.
Genome position (GRCh38, 1-based): chr7:21,807,906, A>C. VCF-style: chr7-21807906-A-C. GRCh37 (hg19) VCF-style: chr7-21847524-A-C.
Other names: c.10210A>C, p.Ile3404Leu (NM_003777.3); short protein forms I3397L, I3404L.
Identifiers: ClinVar variation 2830722 (VCV002830722.3), dbSNP rs2535331151, ClinGen allele CA366945875.